The following is an entry in ClinVar:

ClinVar aggregate classification (germline): Likely pathogenic. Review status: criteria provided, multiple submitters, no conflicts (2 of 4 stars). 2 submissions from 2 submitters: Likely pathogenic (2). Last evaluated 2021-06-01.

Conditions:
SCN2A-related disorder. Also called: SCN2A-related condition; SCN2A-related disorders. Identifiers: MedGen CN382226, MONDO:1060245.

Submissions (2):

Athena Diagnostics
Classification: Likely pathogenic. Last evaluated: 2021-06-01. Review status: criteria provided, single submitter. Criteria: Athena Diagnostics Criteria. Collection method: clinical testing. Allele origin: unknown.
Comment: This variant has not been reported in large, multi-ethnic general populations. Computational tools yielded predictions that this amino acid change may be damaging to the protein. This observation is not an independent occurrence and has been identified in the same individual by RCIGM, the other laboratory participating in the GEMINI study.

Rady Children's Institute for Genomic Medicine, Rady Children's Hospital San Diego
Classification: Likely pathogenic for SCN2A-related disorders. Last evaluated: 2021-05-26. Review status: criteria provided, single submitter. Criteria: ACMG Guidelines, 2015. Collection method: clinical testing. Allele origin: germline. Affected: yes.
Comment: This variant has not been previously reported or functionally characterized in the literature to our knowledge. However, a different missense variant at this amino acid position, (c.4908C>G, p.Ile1636Met), has been reported in the heterozygous state in an individual with neonatal onset seizures (PMID: 28837158). The c.4907T>C (p.Ile1636Thr) variant is absent from the gnomAD population database and thus is presumed to be rare. In silico analyses support a deleterious effect of the c.4907T>C (p.Ile1636Thr) variant on protein function. Analysis of the parental samples was negative for the variant, indicating this variant likely occurred as a de novo event. Based on the available evidence, the c.4907T>C (p.Ile1636Thr) variant is classified as Likely Pathogenic.

Literature cited by the submitters: PubMed 28837158 (cited by Rady Children's Institute for Genomic Medicine, Rady Children's Hospital San Diego).

NM_001040142.2(SCN2A):c.4907T>C (p.Ile1636Thr)

Gene: SCN2A (sodium voltage-gated channel alpha subunit 2; plus strand). Cytogenetic location: 2q24.3.
Variant type: single nucleotide variant.
Coding change: c.4907T>C on transcript NM_001040142.2 (MANE Select); coding-DNA position 4907, T replaced by C.
Protein change: p.Ile1636Thr; replaces isoleucine 1636 with threonine.
Molecular consequence: missense variant.
Genome position (GRCh38, 1-based): chr2:165,388,713, T>C. VCF-style: chr2-165388713-T-C. GRCh37 (hg19) VCF-style: chr2-166245223-T-C.
Other names: c.4907T>C, p.Ile1636Thr (NM_001040143.2, NM_001371246.1, NM_001371247.1 and 1 more transcripts); short protein forms I1636T.
Identifiers: ClinVar variation 1809730 (VCV001809730.2), dbSNP rs2468157518, ClinGen allele CA349037765.